The following is an entry in ClinVar:

ClinVar aggregate classification (germline): Uncertain significance. Review status: criteria provided, multiple submitters, no conflicts (2 of 4 stars). 3 submissions from 3 submitters: Uncertain significance (3). Last evaluated 2026-01-09.

Conditions:
NR2E3-related disorder. Also called: NR2E3-related disorders; NR2E3-related condition. Identifiers: MedGen CN239387.

Allele frequency attached by ClinVar (database versions not stated): ExAC 0.00001; gnomAD 0.00001; gnomAD exomes 0.00001; TOPMed 0.00002.
gnomAD v4.1: 11 of 1,613,620 alleles (0.00068%); highest among the groups gnomAD compares: South Asian, 0.0044%; no homozygotes.

Submissions (3):

PreventionGenetics, part of Exact Sciences
Classification: Uncertain significance for NR2E3-related condition. Last evaluated: 2026-01-09. Review status: criteria provided, single submitter. Criteria: ACMG Guidelines, 2015. Collection method: clinical testing. Allele origin: germline.
Comment: The NR2E3 c.707A>C variant is predicted to result in the amino acid substitution p.Lys236Thr. To our knowledge, this variant has not been reported in the literature. This variant is reported in 0.0065% of alleles in individuals of South Asian descent in gnomAD. Another missense variant affecting the same amino acid position, c.706A>G, p.(Lys236Glu), has been reported in an individual with inherited retinal disease (Table S1, Karali et al. 2022. PubMed ID: 36460718). At this time, the clinical significance of this variant is uncertain due to the absence of conclusive functional and genetic evidence.

Labcorp Genetics (formerly Invitae), Labcorp
Classification: Uncertain significance. Last evaluated: 2025-02-01. Review status: criteria provided, single submitter. Criteria: Invitae Variant Classification Sherloc (09022015). Collection method: clinical testing. Allele origin: germline.
Comment: This sequence change replaces lysine, which is basic and polar, with threonine, which is neutral and polar, at codon 236 of the NR2E3 protein (p.Lys236Thr). This variant is present in population databases (rs754663006, gnomAD 0.007%). This variant has not been reported in the literature in individuals affected with NR2E3-related conditions. ClinVar contains an entry for this variant (Variation ID: 1440253). Invitae Evidence Modeling of protein sequence and biophysical properties (such as structural, functional, and spatial information, amino acid conservation, physicochemical variation, residue mobility, and thermodynamic stability) has been performed for this missense variant. However, the output from this modeling did not meet the statistical confidence thresholds required to predict the impact of this variant on NR2E3 protein function. In summary, the available evidence is currently insufficient to determine the role of this variant in disease. Therefore, it has been classified as a Variant of Uncertain Significance.

Blueprint Genetics
Classification: Uncertain significance. Last evaluated: 2020-10-23. Review status: criteria provided, single submitter. Criteria: ACMG Guidelines, 2015. Collection method: clinical testing. Allele origin: germline.

NM_014249.4(NR2E3):c.707A>C (p.Lys236Thr)

Gene: NR2E3 (nuclear receptor subfamily 2 group E member 3; plus strand). Cytogenetic location: 15q23.
Variant type: single nucleotide variant.
Coding change: c.707A>C on transcript NM_014249.4 (MANE Select); coding-DNA position 707, A replaced by C.
Protein change: p.Lys236Thr; replaces lysine 236 with threonine.
Molecular consequence: missense variant.
Genome position (GRCh38, 1-based): chr15:71,812,471, A>C. VCF-style: chr15-71812471-A-C. GRCh37 (hg19) VCF-style: chr15-72104811-A-C.
Other names: c.707A>C, p.Lys236Thr (NM_016346.4); c.707A>C (NM_014249.3); short protein forms K236T.
Identifiers: ClinVar variation 1440253 (VCV001440253.9), dbSNP rs754663006, ClinGen allele CA7640376.